The following is an entry in ClinVar:

NM_005343.4(HRAS):c.218G>A (p.Arg73His)

Genes: LRRC56 (leucine rich repeat containing 56; plus strand), HRAS (HRas proto-oncogene, GTPase; minus strand). Cytogenetic location: 11p15.5.
Variant type: single nucleotide variant.
Coding change: c.218G>A on transcript NM_005343.4 (MANE Select); coding-DNA position 218, G replaced by A.
Protein change: p.Arg73His; replaces arginine 73 with histidine.
Molecular consequence: missense variant. On other transcripts: 5 prime UTR variant (1).
Genome position (GRCh38, 1-based): chr11:533,838, C>T on the plus strand (G>A on the coding strand, the complement: HRAS is on the minus strand). VCF-style: chr11-533838-C-T. GRCh37 (hg19) VCF-style: chr11-533838-C-T.
Other names: c.218G>A, p.Arg73His (NM_001130442.3, NM_176795.5); c.-102G>A (NM_001318054.2); short protein forms R73H.
Identifiers: ClinVar variation 2134374 (VCV002134374.4), dbSNP rs2133990552, ClinGen allele CA378924593.

ClinVar aggregate classification (germline): Uncertain significance (1 of 4 stars; one submission).

Conditions:
Costello syndrome (CSTLO). Also called: FCS SYNDROME; FACIOCUTANEOSKELETAL SYNDROME; HRAS-Related Costello Syndrome. Identifiers: Orphanet 3071, MedGen C0587248, MONDO:0009026, OMIM 218040.

Submission:

Labcorp Genetics (formerly Invitae), Labcorp
Classification: Uncertain significance for Costello syndrome. Last evaluated: 2022-05-05. Review status: criteria provided, single submitter. Criteria: Invitae Variant Classification Sherloc (09022015). Collection method: clinical testing. Allele origin: germline.
Comment: This variant has not been reported in the literature in individuals affected with HRAS-related conditions. This sequence change replaces arginine, which is basic and polar, with histidine, which is basic and polar, at codon 73 of the HRAS protein (p.Arg73His). This variant is not present in population databases (gnomAD no frequency). Algorithms developed to predict the effect of missense changes on protein structure and function (SIFT, PolyPhen-2, Align-GVGD) all suggest that this variant is likely to be disruptive. In summary, the available evidence is currently insufficient to determine the role of this variant in disease. Therefore, it has been classified as a Variant of Uncertain Significance.